The following is an entry in ClinVar:

ClinVar aggregate classification (germline): Likely pathogenic (1 of 4 stars; one submission).

Conditions:
Dilated cardiomyopathy 1G (CMD1G). Identifiers: Orphanet 154, MedGen C1858763, MONDO:0011400, OMIM 604145.
Autosomal recessive limb-girdle muscular dystrophy type 2J (LGMDR10). Also called: Limb-girdle muscular dystrophy, type 2J; MUSCULAR DYSTROPHY, LIMB-GIRDLE, AUTOSOMAL RECESSIVE 10. Identifiers: Orphanet 140922, MedGen C1837342, MONDO:0012127, OMIM 608807.

Submission:

Labcorp Genetics (formerly Invitae), Labcorp
Classification: Likely pathogenic for Dilated cardiomyopathy 1G; Autosomal recessive limb-girdle muscular dystrophy type 2J. Last evaluated: 2025-06-06. Review status: criteria provided, single submitter. Criteria: Invitae Variant Classification Sherloc (09022015). Collection method: clinical testing. Allele origin: germline.
Comment: This sequence change creates a premature translational stop signal (p.Gln535*) in the TTN gene. While this is not anticipated to result in nonsense mediated decay, it is expected to create a truncated TTN protein. This variant is not present in population databases (gnomAD no frequency). This variant has not been reported in the literature in individuals affected with TTN-related conditions. ClinVar contains an entry for this variant (Variation ID: 3757298). Algorithms developed to predict the effect of sequence changes on RNA splicing suggest that this variant may disrupt the consensus splice site. This variant is located in the Z band of TTN (PMID: 25589632). Truncating variants in this region have been reported in individuals affected with autosomal recessive centronuclear myopathy (PMID: 33449170, internal data). Truncating variants in this region have also been identified in individuals affected with autosomal dominant dilated cardiomyopathy and/or cardio-related conditions (PMID: 27869827, 32964742, internal data). In summary, the currently available evidence indicates that the variant is pathogenic, but additional data are needed to prove that conclusively. Therefore, this variant has been classified as Likely Pathogenic.

Literature cited by the submitters: PubMed 25589632; PubMed 33449170; PubMed 27869827; PubMed 32964742.

NM_001267550.2(TTN):c.1603C>T (p.Gln535Ter)

Gene: TTN (titin; minus strand). Cytogenetic location: 2q31.2.
Variant type: single nucleotide variant.
Coding change: c.1603C>T on transcript NM_001267550.2 (MANE Select); coding-DNA position 1603, C replaced by T.
Protein change: p.Gln535Ter; replaces glutamine 535 with a stop codon.
Molecular consequence: nonsense.
Genome position (GRCh38, 1-based): chr2:178,792,131, G>A on the plus strand (C>T on the coding strand, the complement: TTN is on the minus strand). VCF-style: chr2-178792131-G-A. GRCh37 (hg19) VCF-style: chr2-179656858-G-A.
Other names: c.1603C>T, p.Gln535Ter (NM_001256850.1, NM_003319.4, NM_133378.4 and 3 more transcripts); short protein forms Q535*.
Identifiers: ClinVar variation 3757298 (VCV003757298.2).